The following is an entry in ClinVar:

ClinVar aggregate classification (germline): Uncertain significance (1 of 4 stars; one submission).

Allele frequency attached by ClinVar (database versions not stated): gnomAD exomes below 0.00001; TOPMed below 0.00001.

Submission:

Labcorp Genetics (formerly Invitae), Labcorp
Classification: Uncertain significance. Last evaluated: 2023-12-10. Review status: criteria provided, single submitter. Criteria: Invitae Variant Classification Sherloc (09022015). Collection method: clinical testing. Allele origin: germline.
Comment: This sequence change replaces methionine, which is neutral and non-polar, with isoleucine, which is neutral and non-polar, at codon 26 of the GORAB protein (p.Met26Ile). This variant is not present in population databases (gnomAD no frequency). This variant has not been reported in the literature in individuals affected with GORAB-related conditions. An algorithm developed to predict the effect of missense changes on protein structure and function (PolyPhen-2) suggests that this variant is likely to be disruptive. In summary, the available evidence is currently insufficient to determine the role of this variant in disease. Therefore, it has been classified as a Variant of Uncertain Significance.

NM_152281.3(GORAB):c.3G>A (p.Met1Ile)

Genes: GORAB (golgin, RAB6 interacting; plus strand), GORAB-AS1 (GORAB antisense RNA 1; minus strand). Cytogenetic location: 1q24.2.
Variant type: single nucleotide variant.
Coding change: c.3G>A on transcript NM_152281.3 (MANE Select); coding-DNA position 3, G replaced by A.
Protein change: p.Met1Ile; changes the start codon (methionine 1).
Molecular consequence: missense variant, initiator codon variant. On other transcripts: 5 prime UTR variant (1), non-coding transcript variant (1).
Genome position (GRCh38, 1-based): chr1:170,532,226, G>A. VCF-style: chr1-170532226-G-A. GRCh37 (hg19) VCF-style: chr1-170501367-G-A.
Other names: c.3G>A, p.Met1Ile (NM_001146039.2, NM_001410894.1); c.-763G>A (NM_001320252.2); short protein forms M1I.
Identifiers: ClinVar variation 2757894 (VCV002757894.3), dbSNP rs1648721199, ClinGen allele CA343160197.